The following is an entry in ClinVar:

ClinVar aggregate classification (germline): Uncertain significance (1 of 4 stars; one submission).

Submission:

Labcorp Genetics (formerly Invitae), Labcorp
Classification: Uncertain significance. Last evaluated: 2025-09-30. Review status: criteria provided, single submitter. Criteria: Invitae Variant Classification Sherloc (09022015). Collection method: clinical testing. Allele origin: germline.
Comment: This sequence change replaces arginine, which is basic and polar, with tryptophan, which is neutral and slightly polar, at codon 807 of the CCDC88C protein (p.Arg807Trp). This variant is present in population databases (rs745564345, gnomAD 0.003%). This variant has not been reported in the literature in individuals affected with CCDC88C-related conditions. An algorithm developed to predict the effect of missense changes on protein structure and function (PolyPhen-2) suggests that this variant is likely to be disruptive. In summary, the available evidence is currently insufficient to determine the role of this variant in disease. Therefore, it has been classified as a Variant of Uncertain Significance.

NM_001080414.4(CCDC88C):c.2419C>T (p.Arg807Trp)

Gene: CCDC88C (coiled-coil and HOOK domain protein 88C; minus strand). Cytogenetic location: 14q32.11.
Variant type: single nucleotide variant.
Coding change: c.2419C>T on transcript NM_001080414.4 (MANE Select); coding-DNA position 2419, C replaced by T.
Protein change: p.Arg807Trp; replaces arginine 807 with tryptophan.
Molecular consequence: missense variant. On other transcripts: non-coding transcript variant (2).
Genome position (GRCh38, 1-based): chr14:91,313,397, G>A on the plus strand (C>T on the coding strand, the complement: CCDC88C is on the minus strand). VCF-style: chr14-91313397-G-A. GRCh37 (hg19) VCF-style: chr14-91779741-G-A.
Other names: short protein forms R807W.
Identifiers: ClinVar variation 4698351 (VCV004698351.1).